The following is an entry in ClinVar:

ClinVar aggregate classification (germline): Uncertain significance. Review status: criteria provided, multiple submitters, no conflicts (2 of 4 stars). 2 submissions from 2 submitters: Uncertain significance (2). Last evaluated 2024-07-03.

Submissions (2):

Mayo Clinic Laboratories, Mayo Clinic
Classification: Uncertain significance. Last evaluated: 2024-07-03. Review status: criteria provided, single submitter. Criteria: ACMG Guidelines, 2015. Collection method: clinical testing. Allele origin: germline. Observed: 2 variant alleles.
Comment: BP4, PM2

Blueprint Genetics
Classification: Uncertain significance. Last evaluated: 2018-03-27. Review status: criteria provided, single submitter. Criteria: ACMG Guidelines, 2015. Collection method: clinical testing. Allele origin: germline.

NM_001009944.3(PKD1):c.1325C>T (p.Ala442Val)

Gene: PKD1 (polycystin 1, transient receptor potential channel interacting; minus strand). Cytogenetic location: 16p13.3.
Variant type: single nucleotide variant.
Coding change: c.1325C>T on transcript NM_001009944.3 (MANE Select); coding-DNA position 1325, C replaced by T.
Protein change: p.Ala442Val; replaces alanine 442 with valine.
Molecular consequence: missense variant.
Genome position (GRCh38, 1-based): chr16:2,117,549, G>A on the plus strand (C>T on the coding strand, the complement: PKD1 is on the minus strand). VCF-style: chr16-2117549-G-A. GRCh37 (hg19) VCF-style: chr16-2167550-G-A.
Other names: p.Ala442Val; c.1325C>T, p.Ala442Val (NM_000296.4); short protein forms A442V.
Identifiers: ClinVar variation 636603 (VCV000636603.3), dbSNP rs1596588261, ClinGen allele CA394392529.